The following is an entry in ClinVar:

ClinVar aggregate classification (germline): Likely pathogenic (1 of 4 stars; one submission).

Conditions:
Bardet-Biedl syndrome (BBS). Identifiers: Orphanet 110, MedGen C0752166, MONDO:0015229.

Submission:

Labcorp Genetics (formerly Invitae), Labcorp
Classification: Likely pathogenic for Bardet-Biedl syndrome. Last evaluated: 2025-04-19. Review status: criteria provided, single submitter. Criteria: Invitae Variant Classification Sherloc (09022015). Collection method: clinical testing. Allele origin: germline.
Comment: This sequence change affects a donor splice site in intron 6 of the TTC8 gene. It is expected to disrupt RNA splicing. Variants that disrupt the donor or acceptor splice site typically lead to a loss of protein function (PMID: 16199547), and loss-of-function variants in TTC8 are known to be pathogenic (PMID: 16308660, 16877420, 19797195, 21052717, 30886724). This variant is not present in population databases (gnomAD no frequency). Disruption of this splice site has been observed in individual(s) with Bardet-Biedl syndrome (internal data). Algorithms developed to predict the effect of sequence changes on RNA splicing suggest that this variant may disrupt the consensus splice site. In summary, the currently available evidence indicates that the variant is pathogenic, but additional data are needed to prove that conclusively. Therefore, this variant has been classified as Likely Pathogenic.

Literature cited by the submitters: PubMed 16199547; PubMed 16308660; PubMed 16877420; PubMed 19797195; PubMed 21052717; PubMed 30886724.

NM_144596.4(TTC8):c.579+1G>A

Gene: TTC8 (tetratricopeptide repeat domain 8; plus strand). Cytogenetic location: 14q31.3.
Variant type: single nucleotide variant.
Coding change: c.579+1G>A on transcript NM_144596.4 (MANE Select); the canonical splice donor site of the intron after coding-DNA position 579, G replaced by A.
Molecular consequence: splice donor variant. On other transcripts: 5 prime UTR variant (1), intron variant (3).
Genome position (GRCh38, 1-based): chr14:88,841,515, G>A. VCF-style: chr14-88841515-G-A. GRCh37 (hg19) VCF-style: chr14-89307859-G-A.
Other names: c.-13G>A (NM_001288782.1); c.549+1G>A (NM_001288781.1, NM_198309.3, NM_001366535.2); c.-199+319G>A (NM_001288783.1); c.459+319G>A (NM_198310.3, NM_001366536.2).
Identifiers: ClinVar variation 4717919 (VCV004717919.1).